The following is an entry in ClinVar:

NM_001382391.1(CSPP1):c.1502C>T (p.Ala501Val)

Gene: CSPP1 (centrosome and spindle pole associated protein 1; plus strand). Cytogenetic location: 8q13.2.
Variant type: single nucleotide variant.
Coding change: c.1502C>T on transcript NM_001382391.1 (MANE Select); coding-DNA position 1502, C replaced by T.
Protein change: p.Ala501Val; replaces alanine 501 with valine.
Molecular consequence: missense variant.
Genome position (GRCh38, 1-based): chr8:67,118,253, C>T. VCF-style: chr8-67118253-C-T. GRCh37 (hg19) VCF-style: chr8-68030488-C-T.
Other names: c.605C>T, p.Ala202Val (NM_001291339.2); c.1421C>T, p.Ala474Val (NM_001363131.2); c.1460C>T, p.Ala487Val (NM_001363132.2); c.1379C>T, p.Ala460Val (NM_001363133.2); c.1568C>T, p.Ala523Val (NM_001364869.1); c.1388C>T, p.Ala463Val (NM_001364870.1); c.1487C>T, p.Ala496Val (NM_024790.7); short protein forms A202V, A460V, A463V, A474V, A487V, A496V, A501V, A523V.
Identifiers: ClinVar variation 1051913 (VCV001051913.10), dbSNP rs755596091, ClinGen allele CA4770565.
Genomic context (GRCh38, chr8:67,118,253, plus strand): 5'-TTTAAAAAATTGCAATGAAATATGAGAGGAATTTTTCATCTTTCTTTTCATACAGGATTG[C>T]ACCTCTGCCTCCACCTCCCCTACTACCACCTTTGGCTACTAACTATCGAACTCCTTATGA-3'
Protein context (NP_001369320.1, residues 491-511): ALGEMVSPRI[Ala501Val]PLPPPPLLPP

ClinVar aggregate classification (germline): Uncertain significance (1 of 4 stars; one submission).

Conditions:
Joubert syndrome 21 (JBTS21). Identifiers: MedGen C3810212, MONDO:0014288, OMIM 615636.

Allele frequency attached by ClinVar (database versions not stated): gnomAD exomes below 0.00001 and 0.00001; ExAC 0.00001.
gnomAD v4.1: 6 of 1,613,282 alleles (0.00037%); highest among the groups gnomAD compares: Admixed American, 0.0017%; no homozygotes.

Submission:

Labcorp Genetics (formerly Invitae), Labcorp
Classification: Uncertain significance for Joubert syndrome 21. Last evaluated: 2022-02-24. Review status: criteria provided, single submitter. Criteria: Invitae Variant Classification Sherloc (09022015). Collection method: clinical testing. Allele origin: germline.
Comment: This sequence change replaces alanine, which is neutral and non-polar, with valine, which is neutral and non-polar, at codon 496 of the CSPP1 protein (p.Ala496Val). This variant is present in population databases (rs755596091, gnomAD 0.003%). This variant has not been reported in the literature in individuals affected with CSPP1-related conditions. ClinVar contains an entry for this variant (Variation ID: 1051913). Algorithms developed to predict the effect of missense changes on protein structure and function output the following: SIFT: "Tolerated"; PolyPhen-2: "Benign"; Align-GVGD: "Class C0". The valine amino acid residue is found in multiple mammalian species, which suggests that this missense change does not adversely affect protein function. In summary, the available evidence is currently insufficient to determine the role of this variant in disease. Therefore, it has been classified as a Variant of Uncertain Significance.